The following is an entry in ClinVar:

ClinVar aggregate classification (germline): Conflicting classifications of pathogenicity. Review status: criteria provided, conflicting classifications (1 of 4 stars). 2 submissions from 1 submitter: Uncertain significance (1); Likely benign (1). Last evaluated 2018-01-13.

Conditions:
Susceptibility to mononeuropathy of the median nerve, mild. Also called: CARPAL TUNNEL SYNDROME, SUSCEPTIBILITY TO. Identifiers: MedGen C3150596, MONDO:0013237, OMIM 613353.
Charcot-Marie-Tooth disease type 4C (CMT4C). Also called: CHARCOT-MARIE-TOOTH DISEASE, DEMYELINATING, TYPE 4C; SH3TC2-Related Hereditary Motor and Sensory Neuropathy; Charcot-Marie-Tooth Neuropathy Type 4C (CMT4C); CHARCOT-MARIE-TOOTH DISEASE, DEMYELINATING, AUTOSOMAL RECESSIVE, TYPE 4C; CMT 4C. Identifiers: Orphanet 99949, MedGen C1866636, MONDO:0011113, OMIM 601596.

Allele frequency attached by ClinVar (database versions not stated): gnomAD 0.00001 and 0.00006; TOPMed 0.00002; 1000 Genomes Project 30x 0.00031; 1000 Genomes Project 0.00040.
gnomAD v4.1: 9 of 152,330 alleles (0.0059%); highest among the groups gnomAD compares: East Asian, 0.17%; no homozygotes.

Submissions (2):

Illumina Laboratory Services, Illumina
Classification: Likely benign for Susceptibility to mononeuropathy of the median nerve, mild. Last evaluated: 2018-01-13. Review status: criteria provided, single submitter. Criteria: ICSL Variant Classification Criteria 13 December 2019. Collection method: clinical testing. Allele origin: germline.
Comment: This variant was observed in the ICSL laboratory as part of a predisposition screen in an ostensibly healthy population. It had not been previously curated by ICSL or reported in the Human Gene Mutation Database (HGMD: prior to June 1st, 2018), and was therefore a candidate for classification through an automated scoring system. Utilizing variant allele frequency, disease prevalence and penetrance estimates, and inheritance mode, an automated score was calculated to assess if this variant is too frequent to cause the disease. Based on the score and internal cut-off values, a variant classified as likely benign is not then subjected to further curation. The score for this variant resulted in a classification of likely benign for this disease.

Illumina Laboratory Services, Illumina
Classification: Uncertain significance for Charcot-Marie-Tooth disease type 4C. Last evaluated: 2018-01-13. Review status: criteria provided, single submitter. Criteria: ICSL Variant Classification Criteria 13 December 2019. Collection method: clinical testing. Allele origin: germline.

NM_024577.4(SH3TC2):c.*20787G>A

Gene: SH3TC2 (SH3 domain and tetratricopeptide repeats 2; minus strand). Cytogenetic location: 5q32.
Variant type: single nucleotide variant.
Coding change: c.*20787G>A on transcript NM_024577.4 (MANE Select); 20787 bases downstream of the stop codon, G replaced by A.
Molecular consequence: 3 prime UTR variant.
Genome position (GRCh38, 1-based): chr5:148,983,924, C>T on the plus strand (G>A on the coding strand, the complement: SH3TC2 is on the minus strand). VCF-style: chr5-148983924-C-T. GRCh37 (hg19) VCF-style: chr5-148363487-C-T.
Identifiers: ClinVar variation 905216 (VCV000905216.4), dbSNP rs76578570, ClinGen allele CA128984781.
Genomic context (GRCh38, chr5:148,983,924, plus strand): 5'-CATGAAGCTTAGGAATGAACAGGGAAAGCACATCCAAGAGATGGTGACATCTTTGAGGTA[C>T]TATCAACCTGCTCCTGGAACCAGTGTGGTTTTTAAGTCACTTGAACCAATACATTTTTTT-3'